The following is an entry in ClinVar:

NM_001130009.3(GEN1):c.1389T>G (p.Ile463Met)

Gene: GEN1 (GEN1 structure-specific endonuclease; plus strand). Cytogenetic location: 2p24.2.
Variant type: single nucleotide variant.
Coding change: c.1389T>G on transcript NM_001130009.3 (MANE Select); coding-DNA position 1389, T replaced by G.
Protein change: p.Ile463Met; replaces isoleucine 463 with methionine.
Molecular consequence: missense variant.
Genome position (GRCh38, 1-based): chr2:17,780,102, T>G. VCF-style: chr2-17780102-T-G. GRCh37 (hg19) VCF-style: chr2-17961369-T-G.
Other names: c.1389T>G (NM_001130009.1); c.1389T>G, p.Ile463Met (NM_182625.5); short protein forms I463M.
Identifiers: ClinVar variation 2885793 (VCV002885793.4), dbSNP rs201334007, ClinGen allele CA43358744.
Genomic context (GRCh38, chr2:17,780,102, plus strand): 5'-ATTGTTTGAAGCAGCATATCCTGAGATCGTTGCTGTTTACCAAAAACAAAAGTTAGAAAT[T>G]AAAGGGAAGAAACAAAAACGTAAGTTTTGGGTTTGATAGCTATTTATGCCACATGCAAAT-3'
Protein context (NP_001123481.3, residues 453-473): VAVYQKQKLE[Ile463Met]KGKKQKRIKP

ClinVar aggregate classification (germline): Uncertain significance. Review status: criteria provided, multiple submitters, no conflicts (2 of 4 stars). 2 submissions from 2 submitters: Uncertain significance (2). Last evaluated 2025-06-02.

Allele frequency attached by ClinVar (database versions not stated): gnomAD exomes below 0.00001.
gnomAD v4.1: 1 of 1,612,432 alleles (0.000062%); no homozygotes.

Submissions (2):

Ambry Genetics
Classification: Uncertain significance. Last evaluated: 2025-06-02. Review status: criteria provided, single submitter. Criteria: Ambry Variant Classification Scheme 2023. Collection method: clinical testing. Allele origin: germline.
Comment: The p.I463M variant (also known as c.1389T>G), located in coding exon 12 of the GEN1 gene, results from a T to G substitution at nucleotide position 1389. The isoleucine at codon 463 is replaced by methionine, an amino acid with highly similar properties. This amino acid position is conserved. In addition, this alteration is predicted to be tolerated by in silico analysis. Based on the available evidence, the clinical significance of this variant remains unclear.

Labcorp Genetics (formerly Invitae), Labcorp
Classification: Uncertain significance. Last evaluated: 2023-08-30. Review status: criteria provided, single submitter. Criteria: Invitae Variant Classification Sherloc (09022015). Collection method: clinical testing. Allele origin: germline.
Comment: This sequence change replaces isoleucine, which is neutral and non-polar, with methionine, which is neutral and non-polar, at codon 463 of the GEN1 protein (p.Ile463Met). This variant is present in population databases (rs201334007, gnomAD 0.01%). This variant has not been reported in the literature in individuals affected with GEN1-related conditions. Algorithms developed to predict the effect of missense changes on protein structure and function output the following: SIFT: "Not Available"; PolyPhen-2: "Benign"; Align-GVGD: "Not Available". The methionine amino acid residue is found in multiple mammalian species, which suggests that this missense change does not adversely affect protein function. In summary, the available evidence is currently insufficient to determine the role of this variant in disease. Therefore, it has been classified as a Variant of Uncertain Significance.